The following is an entry in ClinVar:

NM_002016.2(FLG):c.2790G>C (p.Gln930His)

Genes: CCDST (cervical cancer associated DHX9 suppressive transcript; plus strand), FLG (filaggrin; minus strand). Cytogenetic location: 1q21.3.
Variant type: single nucleotide variant.
Coding change: c.2790G>C on transcript NM_002016.2 (MANE Select); coding-DNA position 2790, G replaced by C.
Protein change: p.Gln930His; replaces glutamine 930 with histidine.
Molecular consequence: missense variant.
Genome position (GRCh38, 1-based): chr1:152,312,096, C>G on the plus strand (G>C on the coding strand, the complement: FLG is on the minus strand). VCF-style: chr1-152312096-C-G. GRCh37 (hg19) VCF-style: chr1-152284572-C-G.
Other names: short protein forms Q930H.
Identifiers: ClinVar variation 4872664 (VCV004872664.2).

ClinVar aggregate classification (germline): Uncertain significance (1 of 4 stars; one submission).

Submission:

CeGaT Center for Human Genetics Tuebingen
Classification: Uncertain significance. Last evaluated: 2026-06-01. Review status: criteria provided, single submitter. Criteria: CeGaT Center For Human Genetics Tuebingen Variant Classification Criteria Version 2. Collection method: clinical testing. Allele origin: germline. Affected: yes. Observed: 1 variant allele.
Comment: FLG: PM2, BP4